The following is an entry in ClinVar:

ClinVar aggregate classification (germline): Likely benign (1 of 4 stars; one submission).

gnomAD v4.1: 3 of 1,614,106 alleles (0.00019%); highest among the groups gnomAD compares: Non-Finnish European, 0.00025%; no homozygotes.

Submission:

CeGaT Center for Human Genetics Tuebingen
Classification: Likely benign. Last evaluated: 2026-04-01. Review status: criteria provided, single submitter. Criteria: CeGaT Center For Human Genetics Tuebingen Variant Classification Criteria Version 2. Collection method: clinical testing. Allele origin: germline. Affected: yes. Observed: 1 variant allele.
Comment: TRIO: BP4, BP7

NM_007118.4(TRIO):c.312C>T (p.Leu104=)

Gene: TRIO (trio Rho guanine nucleotide exchange factor; plus strand). Cytogenetic location: 5p15.2.
Variant type: single nucleotide variant.
Coding change: c.312C>T on transcript NM_007118.4 (MANE Select); coding-DNA position 312, C replaced by T.
Protein change: p.Leu104=; no amino-acid change (leucine 104 retained).
Molecular consequence: synonymous variant. On other transcripts: non-coding transcript variant (1).
Genome position (GRCh38, 1-based): chr5:14,280,401, C>T. VCF-style: chr5-14280401-C-T. GRCh37 (hg19) VCF-style: chr5-14280510-C-T.
Identifiers: ClinVar variation 4874169 (VCV004874169.2).
Genomic context (GRCh38, chr5:14,280,401, plus strand): 5'-AGGTCCCATTTTAACGTTTCCGGCCCGCAGCAATCATGACAGAATACGACAGGAGGATCT[C>T]AGGAGACTCATTTCCTATCTAGCCTGTATTCCCAGGTAAGTTCTGTGTGGCTTGTGCTTG-3'
Protein context (NP_009049.2, residues 94-114): SNHDRIRQED[Leu104=]RRLISYLACI